The following is an entry in ClinVar:

NM_001271803.2(REEP2):c.223T>C (p.Trp75Arg)

Gene: REEP2 (receptor accessory protein 2; plus strand). Cytogenetic location: 5q31.2.
Variant type: single nucleotide variant.
Coding change: c.223T>C on transcript NM_001271803.2 (MANE Select); coding-DNA position 223, T replaced by C.
Protein change: p.Trp75Arg; replaces tryptophan 75 with arginine.
Molecular consequence: missense variant. On other transcripts: non-coding transcript variant (2).
Genome position (GRCh38, 1-based): chr5:138,444,455, T>C. VCF-style: chr5-138444455-T-C. GRCh37 (hg19) VCF-style: chr5-137780144-T-C.
Other names: c.223T>C, p.Trp75Arg (NM_016606.4); short protein forms W75R.
Identifiers: ClinVar variation 2835687 (VCV002835687.3), dbSNP rs2480379616, ClinGen allele CA361103002.

ClinVar aggregate classification (germline): Uncertain significance (1 of 4 stars; one submission).

Conditions:
Hereditary spastic paraplegia 72 (SPG72A). Also called: Spastic paraplegia 72, autosomal recessive. Identifiers: Orphanet 401849, MedGen C5882669, MONDO:0014282, OMIM 615625.

Submission:

Labcorp Genetics (formerly Invitae), Labcorp
Classification: Uncertain significance for Hereditary spastic paraplegia 72. Last evaluated: 2023-06-20. Review status: criteria provided, single submitter. Criteria: Invitae Variant Classification Sherloc (09022015). Collection method: clinical testing. Allele origin: germline.
Comment: This sequence change replaces tryptophan, which is neutral and slightly polar, with arginine, which is basic and polar, at codon 75 of the REEP2 protein (p.Trp75Arg). This variant is not present in population databases (gnomAD no frequency). This variant has not been reported in the literature in individuals affected with REEP2-related conditions. An algorithm developed to predict the effect of missense changes on protein structure and function (PolyPhen-2) suggests that this variant is likely to be disruptive. In summary, the available evidence is currently insufficient to determine the role of this variant in disease. Therefore, it has been classified as a Variant of Uncertain Significance.